The following is an entry in ClinVar:

ClinVar aggregate classification (germline): Uncertain significance (1 of 4 stars; one submission).

Conditions:
Early-infantile DEE. Also called: Early infantile epileptic encephalopathy; Ohtahara syndrome; Early infantile epileptic encephalopathy with suppression bursts. Identifiers: Orphanet 1934, MedGen C0393706, MONDO:0800491.

gnomAD v4.1: 8 of 1,613,196 alleles (0.0005%); highest among the groups gnomAD compares: South Asian, 0.0033%; no homozygotes.

Submission:

Labcorp Genetics (formerly Invitae), Labcorp
Classification: Uncertain significance for Early-infantile DEE. Last evaluated: 2026-02-01. Review status: criteria provided, single submitter. Criteria: Invitae Variant Classification Sherloc (09022015). Collection method: clinical testing. Allele origin: germline.
Comment: This sequence change replaces arginine, which is basic and polar, with glutamine, which is neutral and polar, at codon 151 of the KCNH5 protein (p.Arg151Gln). This variant is present in population databases (rs371757416, gnomAD 0.008%). This variant has not been reported in the literature in individuals affected with KCNH5-related conditions. Invitae Evidence Modeling of protein sequence and biophysical properties (such as structural, functional, and spatial information, amino acid conservation, physicochemical variation, residue mobility, and thermodynamic stability) indicates that this missense variant is not expected to disrupt KCNH5 protein function with a negative predictive value of 80%. In summary, the available evidence is currently insufficient to determine the role of this variant in disease. Therefore, it has been classified as a Variant of Uncertain Significance.

NM_139318.5(KCNH5):c.452G>A (p.Arg151Gln)

Gene: KCNH5 (potassium voltage-gated channel subfamily H member 5; minus strand). Cytogenetic location: 14q23.2.
Variant type: single nucleotide variant.
Coding change: c.452G>A on transcript NM_139318.5 (MANE Select); coding-DNA position 452, G replaced by A.
Protein change: p.Arg151Gln; replaces arginine 151 with glutamine.
Molecular consequence: missense variant.
Genome position (GRCh38, 1-based): chr14:62,987,169, C>T on the plus strand (G>A on the coding strand, the complement: KCNH5 is on the minus strand). VCF-style: chr14-62987169-C-T. GRCh37 (hg19) VCF-style: chr14-63453887-C-T.
Other names: c.452G>A, p.Arg151Gln (NM_172375.3); short protein forms R151Q.
Identifiers: ClinVar variation 4693475 (VCV004693475.1).